The following is an entry in ClinVar:

ClinVar aggregate classification (germline): Uncertain significance (1 of 4 stars; one submission).

Submission:

Labcorp Genetics (formerly Invitae), Labcorp
Classification: Uncertain significance. Last evaluated: 2024-01-10. Review status: criteria provided, single submitter. Criteria: Invitae Variant Classification Sherloc (09022015). Collection method: clinical testing. Allele origin: germline.
Comment: This sequence change replaces serine, which is neutral and polar, with arginine, which is basic and polar, at codon 733 of the KIF2A protein (p.Ser733Arg). This variant is not present in population databases (gnomAD no frequency). This variant has not been reported in the literature in individuals affected with KIF2A-related conditions. An algorithm developed to predict the effect of missense changes on protein structure and function (PolyPhen-2) suggests that this variant is likely to be disruptive. In summary, the available evidence is currently insufficient to determine the role of this variant in disease. Therefore, it has been classified as a Variant of Uncertain Significance.

NM_001098511.3(KIF2A):c.2199C>G (p.Ser733Arg)

Gene: KIF2A (kinesin family member 2A; plus strand). Cytogenetic location: 5q12.1.
Variant type: single nucleotide variant.
Coding change: c.2199C>G on transcript NM_001098511.3 (MANE Select); coding-DNA position 2199, C replaced by G.
Protein change: p.Ser733Arg; replaces serine 733 with arginine.
Molecular consequence: missense variant.
Genome position (GRCh38, 1-based): chr5:62,385,533, C>G. VCF-style: chr5-62385533-C-G. GRCh37 (hg19) VCF-style: chr5-61681360-C-G.
Other names: c.2004C>G, p.Ser668Arg (NM_001243952.2); c.2028C>G, p.Ser676Arg (NM_001243953.2); c.2085C>G, p.Ser695Arg (NM_004520.5); short protein forms S695R, S733R, S676R, S668R.
Identifiers: ClinVar variation 2708145 (VCV002708145.3), dbSNP rs777466250, ClinGen allele CA359822915.